The following is an entry in ClinVar:

NM_001165963.4(SCN1A):c.4002+2455G>A

Genes: SCN1A (sodium voltage-gated channel alpha subunit 1; minus strand), LOC102724058 (uncharacterized LOC102724058; plus strand). Cytogenetic location: 2q24.3.
Variant type: single nucleotide variant.
Coding change: c.4002+2455G>A on transcript NM_001165963.4 (MANE Select); 2455 bases into the intron after coding-DNA position 4002, G replaced by A.
Molecular consequence: intron variant. On other transcripts: non-coding transcript variant (1).
Genome position (GRCh38, 1-based): chr2:166,007,264, C>T on the plus strand (G>A on the coding strand, the complement: SCN1A is on the minus strand). VCF-style: chr2-166007264-C-T. GRCh37 (hg19) VCF-style: chr2-166863774-C-T.
Other names: c.1560+2455G>A (NM_001353961.2); c.3969+2455G>A (NM_006920.6, NM_001353949.2, NM_001353950.2 and 2 more transcripts); c.3918+2455G>A (NM_001353958.2, NM_001353957.2, NM_001165964.3); c.4002+2455G>A (NM_001202435.3, NM_001353948.2); c.3966+2455G>A (NM_001353955.2, NM_001353954.2); c.3915+2455G>A (NM_001353960.2).
Identifiers: ClinVar variation 2900450 (VCV002900450.7), dbSNP rs2468471397, ClinGen allele CA2586965057.

ClinVar aggregate classification (germline): Conflicting classifications of pathogenicity. Review status: criteria provided, conflicting classifications (1 of 4 stars). 2 submissions from 2 submitters: Pathogenic (1); Uncertain significance (1). Last evaluated 2026-02-01.

Conditions:
Early-infantile DEE. Also called: Early infantile epileptic encephalopathy with suppression bursts; Early infantile epileptic encephalopathy; Ohtahara syndrome. Identifiers: Orphanet 1934, MedGen C0393706, MONDO:0800491.

Submissions (2):

CeGaT Center for Human Genetics Tuebingen
Classification: Pathogenic. Last evaluated: 2026-02-01. Review status: criteria provided, single submitter. Criteria: CeGaT Center For Human Genetics Tuebingen Variant Classification Criteria Version 2. Collection method: clinical testing. Allele origin: germline. Affected: yes. Observed: 1 variant allele.
Comment: SCN1A: PVS1, PM2, PS4:Supporting

Labcorp Genetics (formerly Invitae), Labcorp
Classification: Uncertain significance for Early-infantile DEE. Last evaluated: 2022-12-13. Review status: criteria provided, single submitter. Criteria: Invitae Variant Classification Sherloc (09022015). Collection method: clinical testing. Allele origin: germline.
Comment: In summary, the available evidence is currently insufficient to determine the role of this variant in disease. Therefore, it has been classified as a Variant of Uncertain Significance. Studies have shown that this variant does not affect mRNA splicing (PMID: 30526861). This variant has been observed in individual(s) with Dravet syndrome (PMID: 30526861). This variant is not present in population databases (gnomAD no frequency). This sequence change falls in intron 20 of the SCN1A gene. It does not directly change the encoded amino acid sequence of the SCN1A protein.

Literature cited by the submitters: PubMed 30526861 (cited by Labcorp Genetics (formerly Invitae), Labcorp).